The following is an entry in ClinVar:

NM_001360016.2(G6PD):c.392G>A (p.Gly131Glu)

Gene: G6PD (glucose-6-phosphate dehydrogenase; minus strand). Cytogenetic location: Xq28.
Variant type: single nucleotide variant.
Coding change: c.392G>A on transcript NM_001360016.2 (MANE Select); coding-DNA position 392, G replaced by A.
Protein change: p.Gly131Glu; replaces glycine 131 with glutamic acid.
Molecular consequence: missense variant.
Genome position (GRCh38, 1-based): chrX:154,535,261, C>T on the plus strand (G>A on the coding strand, the complement: G6PD is on the minus strand). VCF-style: chrX-154535261-C-T. GRCh37 (hg19) VCF-style: chrX-153763476-C-T.
Other names: c.482G>A, p.Gly161Glu (NM_000402.4); c.392G>A, p.Gly131Glu (NM_001042351.3); short protein forms G131E, G161E.
Identifiers: ClinVar variation 3718361 (VCV003718361.2).

ClinVar aggregate classification (germline): Uncertain significance (1 of 4 stars; one submission).

Conditions:
Anemia, nonspherocytic hemolytic, due to G6PD deficiency (CNSHA1). Also called: Class I glucose-6-phosphate dehydrogenase deficiency; Favism, susceptibility to; ANEMIA, CONGENITAL, NONSPHEROCYTIC HEMOLYTIC, 1; Hemolytic anemia due to G6PD deficiency. Identifiers: Orphanet 466026, MedGen C2720289, MONDO:0010480, OMIM 300908.

Submission:

Labcorp Genetics (formerly Invitae), Labcorp
Classification: Uncertain significance for Anemia, nonspherocytic hemolytic, due to G6PD deficiency. Last evaluated: 2025-08-29. Review status: criteria provided, single submitter. Criteria: Invitae Variant Classification Sherloc (09022015). Collection method: clinical testing. Allele origin: germline.
Comment: This sequence change replaces glycine, which is neutral and non-polar, with glutamic acid, which is acidic and polar, at codon 131 of the G6PD protein (p.Gly131Glu). This variant is present in population databases (rs137852341, gnomAD 0.002%). This variant has not been reported in the literature in individuals affected with G6PD-related conditions. ClinVar contains an entry for this variant (Variation ID: 3718361). Invitae Evidence Modeling of protein sequence and biophysical properties (such as structural, functional, and spatial information, amino acid conservation, physicochemical variation, residue mobility, and thermodynamic stability) has been performed for this missense variant. However, the output from this modeling did not meet the statistical confidence thresholds required to predict the impact of this variant on G6PD protein function. This variant disrupts the p.Gly131 amino acid residue in G6PD. Other variant(s) that disrupt this residue have been determined to be pathogenic (PMID: 11243133, 11400791, 25775246). This suggests that this residue is clinically significant, and that variants that disrupt this residue are likely to be disease-causing. In summary, the available evidence is currently insufficient to determine the role of this variant in disease. Therefore, it has been classified as a Variant of Uncertain Significance.

Literature cited by the submitters: PubMed 11243133; PubMed 11400791; PubMed 25775246.